The following is an entry in ClinVar:

NM_005732.4(RAD50):c.2978A>G (p.His993Arg)

Gene: RAD50 (RAD50 double strand break repair protein; plus strand). Cytogenetic location: 5q31.1.
Variant type: single nucleotide variant.
Coding change: c.2978A>G on transcript NM_005732.4 (MANE Select); coding-DNA position 2978, A replaced by G.
Protein change: p.His993Arg; replaces histidine 993 with arginine.
Molecular consequence: missense variant.
Genome position (GRCh38, 1-based): chr5:132,609,338, A>G. VCF-style: chr5-132609338-A-G. GRCh37 (hg19) VCF-style: chr5-131945030-A-G.
Other names: short protein forms H993R.
Identifiers: ClinVar variation 1798345 (VCV001798345.2), dbSNP rs2479371682, ClinGen allele CA360960655.
Genomic context (GRCh38, chr5:132,609,338, plus strand): 5'-TGTAGCAAAAAGAAACTGAACTTAATAAAGTAATAGCTCAACTAAGTGAATGCGAGAAAC[A>G]CAAAGAAAAGATAAATGAAGATATGAGACTCATGAGACAAGATATTGATACACAGAAGGT-3'
Protein context (NP_005723.2, residues 983-1003): VIAQLSECEK[His993Arg]KEKINEDMRL

ClinVar aggregate classification (germline): Uncertain significance (1 of 4 stars; one submission).

Conditions:
Hereditary cancer-predisposing syndrome. Also called: Neoplastic Syndromes, Hereditary; Tumor predisposition; Hereditary Cancer Syndrome; Hereditary neoplastic syndrome. Identifiers: Orphanet 140162, MedGen C0027672, MeSH D009386, MONDO:0015356.

Allele frequency attached by ClinVar (database versions not stated): gnomAD exomes below 0.00001.
gnomAD v4.1: 1 of 1,613,890 alleles (0.000062%); highest among the groups gnomAD compares: Non-Finnish European, 0.000085%; no homozygotes.

Submission:

Ambry Genetics
Classification: Uncertain significance for Hereditary cancer-predisposing syndrome. Last evaluated: 2021-07-29. Review status: criteria provided, single submitter. Criteria: Ambry Variant Classification Scheme 2023. Collection method: clinical testing. Allele origin: germline.
Comment: The p.H993R variant (also known as c.2978A>G), located in coding exon 19 of the RAD50 gene, results from an A to G substitution at nucleotide position 2978. The histidine at codon 993 is replaced by arginine, an amino acid with highly similar properties. This amino acid position is conserved. In addition, this alteration is predicted to be tolerated by in silico analysis. Since supporting evidence is limited at this time, the clinical significance of this alteration remains unclear.